The following is an entry in ClinVar:

ClinVar aggregate classification (germline): Uncertain significance (1 of 4 stars; one submission).

Conditions:
Hereditary cancer-predisposing syndrome. Also called: Neoplastic Syndromes, Hereditary; Hereditary neoplastic syndrome; Tumor predisposition; Hereditary Cancer Syndrome. Identifiers: Orphanet 140162, MedGen C0027672, MeSH D009386, MONDO:0015356.

Submission:

Ambry Genetics
Classification: Uncertain significance for Hereditary cancer-predisposing syndrome. Last evaluated: 2026-02-19. Review status: criteria provided, single submitter. Criteria: Ambry Variant Classification Scheme 2023. Collection method: clinical testing. Allele origin: germline.
Comment: The p.D1051E variant (also known as c.3153T>A), located in coding exon 23 of the MSH3 gene, results from a T to A substitution at nucleotide position 3153. The aspartic acid at codon 1051 is replaced by glutamic acid, an amino acid with highly similar properties. This amino acid position is conserved. In addition, this alteration is predicted to be tolerated by in silico analysis. Based on the available evidence, the clinical significance of this variant remains unclear.

NM_002439.5(MSH3):c.3153T>A (p.Asp1051Glu)

Gene: MSH3 (mutS homolog 3; plus strand). Cytogenetic location: 5q14.1.
Variant type: single nucleotide variant.
Coding change: c.3153T>A on transcript NM_002439.5 (MANE Select); coding-DNA position 3153, T replaced by A.
Protein change: p.Asp1051Glu; replaces aspartic acid 1051 with glutamic acid.
Molecular consequence: missense variant.
Genome position (GRCh38, 1-based): chr5:80,873,138, T>A. VCF-style: chr5-80873138-T-A. GRCh37 (hg19) VCF-style: chr5-80168957-T-A.
Other names: short protein forms D1051E.
Identifiers: ClinVar variation 4824390 (VCV004824390.1).